The following is an entry in ClinVar:

NM_173842.3(IL1RN):c.109G>T (p.Ala37Ser)

Gene: IL1RN (interleukin 1 receptor antagonist; plus strand). Cytogenetic location: 2q14.1.
Variant type: single nucleotide variant.
Coding change: c.109G>T on transcript NM_173842.3 (MANE Select); coding-DNA position 109, G replaced by T.
Protein change: p.Ala37Ser; replaces alanine 37 with serine.
Molecular consequence: missense variant.
Genome position (GRCh38, 1-based): chr2:113,127,733, G>T. VCF-style: chr2-113127733-G-T. GRCh37 (hg19) VCF-style: chr2-113885310-G-T.
Other names: c.55G>T, p.Ala19Ser (NM_000577.5); c.7G>T, p.Ala3Ser (NM_001318914.2, NM_001379360.1, NM_173843.3); c.118G>T, p.Ala40Ser (NM_173841.3); short protein forms A19S, A37S, A40S, A3S.
Identifiers: ClinVar variation 656964 (VCV000656964.9), dbSNP rs1573301763, ClinGen allele CA348293774.

ClinVar aggregate classification (germline): Uncertain significance (1 of 4 stars; one submission).

Conditions:
Sterile multifocal osteomyelitis with periostitis and pustulosis. Also called: CHRONIC RECURRENT MULTIFOCAL OSTEOMYELITIS 2, WITH PERIOSTITIS AND PUSTULOSIS. Identifiers: Orphanet 210115, MedGen C2748507, MONDO:0013021, OMIM 612852.

Submission:

Labcorp Genetics (formerly Invitae), Labcorp
Classification: Uncertain significance for Sterile multifocal osteomyelitis with periostitis and pustulosis. Last evaluated: 2025-01-06. Review status: criteria provided, single submitter. Criteria: Invitae Variant Classification Sherloc (09022015). Collection method: clinical testing. Allele origin: germline.
Comment: This sequence change replaces alanine, which is neutral and non-polar, with serine, which is neutral and polar, at codon 40 of the IL1RN protein (p.Ala40Ser). This variant is not present in population databases (gnomAD no frequency). This variant has not been reported in the literature in individuals affected with IL1RN-related conditions. ClinVar contains an entry for this variant (Variation ID: 656964). An algorithm developed to predict the effect of missense changes on protein structure and function outputs the following: PolyPhen-2: "Benign". The serine amino acid residue is found in multiple mammalian species, which suggests that this missense change does not adversely affect protein function. In summary, the available evidence is currently insufficient to determine the role of this variant in disease. Therefore, it has been classified as a Variant of Uncertain Significance.